The following is an entry in ClinVar:

ClinVar aggregate classification (germline): Uncertain significance (1 of 4 stars; one submission).

gnomAD v4.1: 2 of 1,614,100 alleles (0.00012%); highest among the groups gnomAD compares: Non-Finnish European, 0.00017%; no homozygotes.

Submission:

Labcorp Genetics (formerly Invitae), Labcorp
Classification: Uncertain significance. Last evaluated: 2025-10-09. Review status: criteria provided, single submitter. Criteria: Invitae Variant Classification Sherloc (09022015). Collection method: clinical testing. Allele origin: germline.
Comment: This sequence change replaces serine, which is neutral and polar, with cysteine, which is neutral and slightly polar, at codon 50 of the LZTS1 protein (p.Ser50Cys). This variant is not present in population databases (gnomAD no frequency). This variant has not been reported in the literature in individuals affected with LZTS1-related conditions. Invitae Evidence Modeling of protein sequence and biophysical properties (such as structural, functional, and spatial information, amino acid conservation, physicochemical variation, residue mobility, and thermodynamic stability) indicates that this missense variant is not expected to disrupt LZTS1 protein function with a negative predictive value of 80%. In summary, the available evidence is currently insufficient to determine the role of this variant in disease. Therefore, it has been classified as a Variant of Uncertain Significance.

NM_021020.5(LZTS1):c.149C>G (p.Ser50Cys)

Gene: LZTS1 (leucine zipper tumor suppressor 1; minus strand). Cytogenetic location: 8p21.3.
Variant type: single nucleotide variant.
Coding change: c.149C>G on transcript NM_021020.5 (MANE Select); coding-DNA position 149, C replaced by G.
Protein change: p.Ser50Cys; replaces serine 50 with cysteine.
Molecular consequence: missense variant.
Genome position (GRCh38, 1-based): chr8:20,255,033, G>C on the plus strand (C>G on the coding strand, the complement: LZTS1 is on the minus strand). VCF-style: chr8-20255033-G-C. GRCh37 (hg19) VCF-style: chr8-20112544-G-C.
Other names: c.149C>G, p.Ser50Cys (NM_001362884.2); short protein forms S50C.
Identifiers: ClinVar variation 4744055 (VCV004744055.1).